The following is an entry in ClinVar:

NM_007294.4(BRCA1):c.696T>C (p.Asp232=)

Gene: BRCA1 (BRCA1 DNA repair associated; minus strand). Cytogenetic location: 17q21.31.
Variant type: single nucleotide variant.
Coding change: c.696T>C on transcript NM_007294.4 (MANE Select); coding-DNA position 696, T replaced by C.
Protein change: p.Asp232=; no amino-acid change (aspartic acid 232 retained).
Molecular consequence: synonymous variant. On other transcripts: 5 prime UTR variant (2), intron variant (13).
Genome position (GRCh38, 1-based): chr17:43,094,835, A>G on the plus strand (T>C on the coding strand, the complement: BRCA1 is on the minus strand). VCF-style: chr17-43094835-A-G. GRCh37 (hg19) VCF-style: chr17-41246852-A-G.
Other names: c.693T>C, p.Asp231= (NM_001407631.1, NM_001407632.1, NM_001407633.1 and 38 more transcripts); c.696T>C, p.Asp232= (NM_001407639.1, NM_001407640.1, NM_001407641.1 and 54 more transcripts); c.687T>C, p.Asp229= (NM_001407646.1, NM_001407647.1, NM_001408408.1); c.573T>C, p.Asp191= (NM_001407648.1, NM_001407664.1, NM_001407665.1 and 34 more transcripts); c.570T>C, p.Asp190= (NM_001407649.1, NM_001407670.1, NM_001407671.1 and 20 more transcripts); c.618T>C, p.Asp206= (NM_001407653.1, NM_001407654.1, NM_001407655.1 and 9 more transcripts); c.615T>C, p.Asp205= (NM_001407659.1, NM_001407660.1, NM_001407661.1 and 3 more transcripts); c.555T>C, p.Asp185= (NM_001407692.1, NM_001407694.1, NM_001407695.1 and 43 more transcripts); and 20 more.
Identifiers: ClinVar variation 389874 (VCV000389874.21), dbSNP rs1057523563, ClinGen allele CA16607636.

ClinVar aggregate classification (germline): Likely benign. Review status: criteria provided, multiple submitters, no conflicts (2 of 4 stars). 6 submissions from 6 submitters: Likely benign (6). Last evaluated 2026-09-01.

Conditions:
Breast-ovarian cancer, familial, susceptibility to, 1 (BROVCA1). Also called: BRCA1 Hereditary Breast and Ovarian Cancer; OVARIAN CANCER, SUSCEPTIBILITY TO. Identifiers: Orphanet 145, MedGen C2676676, MONDO:0011450, OMIM 604370. Disease mechanism: loss of function.
Hereditary cancer-predisposing syndrome. Also called: Hereditary neoplastic syndrome; Neoplastic Syndromes, Hereditary; Hereditary Cancer Syndrome; Tumor predisposition. Identifiers: Orphanet 140162, MedGen C0027672, MeSH D009386, MONDO:0015356.
Hereditary breast ovarian cancer syndrome. Also called: Hereditary breast and ovarian cancer syndrome; Breast and ovarian cancer; BRCA1- and BRCA2-Associated Hereditary Breast and Ovarian Cancer; Hereditary breast and ovarian cancer syndrome (HBOC); Hereditary breast and/or ovarian cancer syndrome; Hereditary breast and ovarian cancer. Identifiers: Orphanet 145, MedGen C0677776, MeSH D061325, MONDO:0003582. Disease mechanism: loss of function.

Allele frequency attached by ClinVar (database versions not stated): TOPMed 0.00001.
gnomAD v4.1: 1 of 1,613,460 alleles (0.000062%); no homozygotes.

Submissions (6):

CeGaT Center for Human Genetics Tuebingen
Classification: Likely benign. Last evaluated: 2026-09-01. Review status: criteria provided, single submitter. Criteria: CeGaT Center For Human Genetics Tuebingen Variant Classification Criteria Version 2. Collection method: clinical testing. Allele origin: germline. Affected: yes. Observed: 1 variant allele.
Comment: BRCA1: BP4, BP7

Labcorp Genetics (formerly Invitae), Labcorp
Classification: Likely benign for Hereditary breast ovarian cancer syndrome. Last evaluated: 2025-10-13. Review status: criteria provided, single submitter. Criteria: Invitae Variant Classification Sherloc (09022015). Collection method: clinical testing. Allele origin: germline.

All of Us Research Program, National Institutes of Health
Classification: Likely benign for Breast-ovarian cancer, familial, susceptibility to, 1. Last evaluated: 2023-11-02. Review status: criteria provided, single submitter. Criteria: ACMG Guidelines, 2015. Collection method: clinical testing. Allele origin: germline. Inheritance: Autosomal dominant inheritance. Observed: 1 variant allele, 1 heterozygote.
Comment: This study involves interpretation of variants in research participants for the purpose of population health screening. Participant phenotype was not available at the time of variant classification. Additional details can be found in publication PMID: 35346344, PMCID: PMC8962531

Color Diagnostics, LLC DBA Color Health
Classification: Likely benign for Hereditary cancer-predisposing syndrome. Last evaluated: 2018-12-10. Review status: criteria provided, single submitter. Criteria: ACMG Guidelines, 2015. Collection method: clinical testing. Allele origin: germline.

GeneDx
Classification: Likely benign. Last evaluated: 2018-01-30. Review status: criteria provided, single submitter. Criteria: GeneDx Variant Classification (06012015). Collection method: clinical testing. Allele origin: germline. Affected: yes.
Comment: This variant is considered likely benign or benign based on one or more of the following criteria: it is a conservative change, it occurs at a poorly conserved position in the protein, it is predicted to be benign by multiple in silico algorithms, and/or has population frequency not consistent with disease.

Ambry Genetics
Classification: Likely benign for Hereditary cancer-predisposing syndrome. Last evaluated: 2017-05-01. Review status: criteria provided, single submitter. Criteria: Ambry Variant Classification Scheme 2023. Collection method: clinical testing. Allele origin: germline.